The following is an entry in ClinVar:

ClinVar aggregate classification (germline): Likely benign. Review status: criteria provided, multiple submitters, no conflicts (2 of 4 stars). 4 submissions from 4 submitters: Likely benign (3). 1 of the submissions does not count toward it. Last evaluated 2026-02-03.

Conditions:
KMT2E-related disorder. Also called: KMT2E-related condition.
Inborn genetic diseases. Identifiers: MedGen C0950123, MeSH D030342.

Allele frequency attached by ClinVar (database versions not stated): ExAC 0.00028; gnomAD exomes 0.00043; ESP Exome Variant Server 0.00046; gnomAD 0.00046; TOPMed 0.00058; 1000 Genomes Project 0.00100; 1000 Genomes Project 30x 0.00109.
gnomAD v4.1: 689 of 1,612,630 alleles (0.043%); highest among the groups gnomAD compares: Admixed American, 0.09%; 1 homozygote.

Submissions (4):

Labcorp Genetics (formerly Invitae), Labcorp
Classification: Likely benign. Last evaluated: 2026-02-03. Review status: criteria provided, single submitter. Criteria: Invitae Variant Classification Sherloc (09022015). Collection method: clinical testing. Allele origin: germline.

Blueprint Genetics
Classification: Likely benign. Last evaluated: 2024-09-10. Review status: criteria provided, single submitter. Criteria: ACMG Guidelines, 2015. Collection method: clinical testing. Allele origin: germline.

Ambry Genetics
Classification: Likely benign for Inborn genetic diseases. Last evaluated: 2022-01-26. Review status: criteria provided, single submitter. Criteria: Ambry Variant Classification Scheme 2023. Collection method: clinical testing. Allele origin: germline.

PreventionGenetics, part of Exact Sciences
Classification: Likely benign for KMT2E-related condition. Last evaluated: 2022-04-01. Review status: no assertion criteria provided. Collection method: clinical testing. Allele origin: germline. Not counted in ClinVar's aggregate classification.
Comment: This variant is classified as likely benign based on ACMG/AMP sequence variant interpretation guidelines (Richards et al. 2015 PMID: 25741868, with internal and published modifications).

NM_182931.3(KMT2E):c.3973C>T (p.Pro1325Ser)

Gene: KMT2E (lysine methyltransferase 2E (inactive); plus strand). Cytogenetic location: 7q22.3.
Variant type: single nucleotide variant.
Coding change: c.3973C>T on transcript NM_182931.3 (MANE Select); coding-DNA position 3973, C replaced by T.
Protein change: p.Pro1325Ser; replaces proline 1325 with serine.
Molecular consequence: missense variant.
Genome position (GRCh38, 1-based): chr7:105,110,773, C>T. VCF-style: chr7-105110773-C-T. GRCh37 (hg19) VCF-style: chr7-104751220-C-T.
Other names: c.3847C>T, p.Pro1283Ser (NM_001410908.1); c.3973C>T, p.Pro1325Ser (NM_018682.4); short protein forms P1283S, P1325S.
Identifiers: ClinVar variation 2074720 (VCV002074720.8), dbSNP rs187060721, ClinGen allele CA4424639.